The following is an entry in ClinVar:

NM_000553.6(WRN):c.3535G>T (p.Ala1179Ser)

Gene: WRN (WRN RecQ like helicase; plus strand). Cytogenetic location: 8p12.
Variant type: single nucleotide variant.
Coding change: c.3535G>T on transcript NM_000553.6 (MANE Select); coding-DNA position 3535, G replaced by T.
Protein change: p.Ala1179Ser; replaces alanine 1179 with serine.
Molecular consequence: missense variant.
Genome position (GRCh38, 1-based): chr8:31,147,439, G>T. VCF-style: chr8-31147439-G-T. GRCh37 (hg19) VCF-style: chr8-31004955-G-T.
Other names: short protein forms A1179S.
Identifiers: ClinVar variation 942540 (VCV000942540.5), dbSNP rs868438861, ClinGen allele CA370925937.

ClinVar aggregate classification (germline): Uncertain significance (1 of 4 stars; one submission).

Conditions:
Werner syndrome (WRN). Identifiers: Orphanet 902, MedGen C0043119, MONDO:0010196, OMIM 277700.

gnomAD v4.1: 1 of 1,614,002 alleles (0.000062%); highest among the groups gnomAD compares: Non-Finnish European, 0.000085%; no homozygotes.

Submission:

Labcorp Genetics (formerly Invitae), Labcorp
Classification: Uncertain significance for Werner syndrome. Last evaluated: 2021-03-25. Review status: criteria provided, single submitter. Criteria: Invitae Variant Classification Sherloc (09022015). Collection method: clinical testing. Allele origin: germline.
Comment: Algorithms developed to predict the effect of missense changes on protein structure and function are either unavailable or do not agree on the potential impact of this missense change (SIFT: "Tolerated"; PolyPhen-2: "Probably Damaging"; Align-GVGD: "Class C15"). This sequence change replaces alanine with serine at codon 1179 of the WRN protein (p.Ala1179Ser). The alanine residue is highly conserved and there is a moderate physicochemical difference between alanine and serine. This variant is not present in population databases (ExAC no frequency). This variant has not been reported in the literature in individuals with WRN-related conditions. In summary, the available evidence is currently insufficient to determine the role of this variant in disease. Therefore, it has been classified as a Variant of Uncertain Significance.